The following is an entry in ClinVar:

NM_000552.5(VWF):c.3666C>A (p.Cys1222Ter)

Gene: VWF (von Willebrand factor; minus strand). Cytogenetic location: 12p13.31.
Variant type: single nucleotide variant.
Coding change: c.3666C>A on transcript NM_000552.5 (MANE Select); coding-DNA position 3666, C replaced by A.
Protein change: p.Cys1222Ter; replaces cysteine 1222 with a stop codon.
Molecular consequence: nonsense.
Genome position (GRCh38, 1-based): chr12:6,021,908, G>T on the plus strand (C>A on the coding strand, the complement: VWF is on the minus strand). VCF-style: chr12-6021908-G-T. GRCh37 (hg19) VCF-style: chr12-6131074-G-T.
Other names: short protein forms C1222*.
Identifiers: ClinVar variation 2572161 (VCV002572161.1), dbSNP rs779819811, ClinGen allele CA383510341.
Genomic context (GRCh38, chr12:6,021,908, plus strand): 5'-CTGGAGAAGCAATAAGATTCATCACTTCAAACAACCCAGGAATCTGTTTTACCAAATCTG[G>T]CAGTGCTCAGGGTCACTGGGATTCAAGGTGACTTTCTTTCCTGAGGCAAAACGCCGGCCA-3'

ClinVar aggregate classification (germline): Pathogenic (1 of 4 stars; one submission).

Conditions:
Thrombocytopenia. Identifiers: MedGen C0040034, MeSH D013921, MONDO:0002049, HP:0001873.

Submission:

ISTH-SSC Genomics in Thrombosis and Hemostasis, KU Leuven, Center for Molecular and Vascular Biology
Classification: Pathogenic for Thrombocytopenia. Review status: criteria provided, single submitter. Criteria: ACMG Guidelines, 2015. Collection method: clinical testing. Allele origin: germline. Affected: yes. Observed: 1 heterozygote.
Comment: Submitted to the GoldVariant database by Dr Marie-Christine Morel-Kopp; Northern Blood Research Centre, Sydney, Australia